The following is an entry in ClinVar:

NM_007294.4(BRCA1):c.2906A>G (p.Asn969Ser)

Gene: BRCA1 (BRCA1 DNA repair associated; minus strand). Cytogenetic location: 17q21.31.
Variant type: single nucleotide variant.
Coding change: c.2906A>G on transcript NM_007294.4 (MANE Select); coding-DNA position 2906, A replaced by G.
Protein change: p.Asn969Ser; replaces asparagine 969 with serine.
Molecular consequence: missense variant. On other transcripts: intron variant (137).
Genome position (GRCh38, 1-based): chr17:43,092,625, T>C on the plus strand (A>G on the coding strand, the complement: BRCA1 is on the minus strand). VCF-style: chr17-43092625-T-C. GRCh37 (hg19) VCF-style: chr17-41244642-T-C.
Other names: c.2780A>G, p.Asn927Ser (NM_001407673.1, NM_001407685.1, NM_001407686.1 and 11 more transcripts); c.2783A>G, p.Asn928Ser (NM_001407674.1, NM_001407675.1, NM_001407676.1 and 19 more transcripts); c.2906A>G, p.Asn969Ser (NM_001407684.1, NM_001407639.1, NM_001407640.1 and 30 more transcripts); c.2765A>G, p.Asn922Ser (NM_001407695.1, NM_001407696.1, NM_001407692.1 and 29 more transcripts); c.2762A>G, p.Asn921Ser (NM_001407744.1, NM_001407745.1, NM_001407746.1 and 20 more transcripts); c.2903A>G, p.Asn968Ser (NM_001407630.1, NM_001407631.1, NM_001407632.1 and 22 more transcripts); c.2897A>G, p.Asn966Ser (NM_001407646.1, NM_001407647.1); c.2828A>G, p.Asn943Ser (NM_001407653.1, NM_001407654.1, NM_001407655.1 and 4 more transcripts); and 41 more; short protein forms N969S, N922S, N673S, N841S, N857S, N899S, N928S, N842S.
Identifiers: ClinVar variation 567051 (VCV000567051.15), dbSNP rs1567793695, ClinGen allele CA10596181.

ClinVar aggregate classification (germline): Conflicting classifications of pathogenicity. Review status: criteria provided, conflicting classifications (1 of 4 stars). 3 submissions from 3 submitters: Uncertain significance (2); Likely benign (1). Last evaluated 2025-05-19.

Conditions:
Hereditary cancer-predisposing syndrome. Also called: Neoplastic Syndromes, Hereditary; Tumor predisposition; Hereditary neoplastic syndrome; Hereditary Cancer Syndrome. Identifiers: Orphanet 140162, MedGen C0027672, MeSH D009386, MONDO:0015356.
Hereditary breast ovarian cancer syndrome. Also called: Hereditary breast and ovarian cancer syndrome (HBOC); Hereditary breast and ovarian cancer; Hereditary breast and/or ovarian cancer syndrome; Hereditary breast and ovarian cancer syndrome; Breast and ovarian cancer; BRCA1- and BRCA2-Associated Hereditary Breast and Ovarian Cancer. Identifiers: Orphanet 145, MedGen C0677776, MeSH D061325, MONDO:0003582. Disease mechanism: loss of function.

Submissions (3):

Labcorp Genetics (formerly Invitae), Labcorp
Classification: Uncertain significance for Hereditary breast ovarian cancer syndrome. Last evaluated: 2025-05-19. Review status: criteria provided, single submitter. Criteria: Invitae Variant Classification Sherloc (09022015). Collection method: clinical testing. Allele origin: germline.
Comment: This sequence change replaces asparagine, which is neutral and polar, with serine, which is neutral and polar, at codon 969 of the BRCA1 protein (p.Asn969Ser). This variant is not present in population databases (gnomAD no frequency). This variant has not been reported in the literature in individuals affected with BRCA1-related conditions. ClinVar contains an entry for this variant (Variation ID: 567051). Invitae Evidence Modeling of protein sequence and biophysical properties (such as structural, functional, and spatial information, amino acid conservation, physicochemical variation, residue mobility, and thermodynamic stability) indicates that this missense variant is not expected to disrupt BRCA1 protein function with a negative predictive value of 80%. In summary, the available evidence is currently insufficient to determine the role of this variant in disease. Therefore, it has been classified as a Variant of Uncertain Significance.

Ambry Genetics
Classification: Uncertain significance for Hereditary cancer-predisposing syndrome. Last evaluated: 2024-12-17. Review status: criteria provided, single submitter. Criteria: Ambry Variant Classification Scheme 2023. Collection method: clinical testing. Allele origin: germline.
Comment: The p.N969S variant (also known as c.2906A>G), located in coding exon 9 of the BRCA1 gene, results from an A to G substitution at nucleotide position 2906. The asparagine at codon 969 is replaced by serine, an amino acid with highly similar properties. This amino acid position is not well conserved in available vertebrate species. In addition, this alteration is predicted to be tolerated by in silico analysis. Since supporting evidence is limited at this time, the clinical significance of this alteration remains unclear.

University of Washington Department of Laboratory Medicine, University of Washington
Classification: Likely benign for Hereditary cancer-predisposing syndrome. Last evaluated: 2023-03-23. Review status: criteria provided, single submitter. Criteria: Dines et al. (Genet Med. 2020). Collection method: curation. Allele origin: germline.
Comment: Missense variant in a coldspot region where missense variants are very unlikely to be pathogenic (PMID:31911673).

BRCA1 coldspot (exon 11 using historical exon numbering). Reclassification based on statistical prior probability